The following is an entry in ClinVar:

ClinVar aggregate classification (germline): Pathogenic/Likely pathogenic. Review status: criteria provided, multiple submitters, no conflicts (2 of 4 stars). 2 submissions from 2 submitters: Pathogenic (1); Likely pathogenic (1). Last evaluated 2026-02-01.

Conditions:
Chylomicron retention disease (CMRD). Also called: HYPOBETALIPOPROTEINEMIA WITH ACCUMULATION OF APOLIPOPROTEIN B-LIKE PROTEIN IN INTESTINAL CELLS; LIPID TRANSPORT DEFECT OF INTESTINE. Identifiers: Orphanet 71, MedGen C0795956, MONDO:0009528, OMIM 246700.

Submissions (2):

Labcorp Genetics (formerly Invitae), Labcorp
Classification: Pathogenic. Last evaluated: 2026-02-01. Review status: criteria provided, single submitter. Criteria: Invitae Variant Classification Sherloc (09022015). Collection method: clinical testing. Allele origin: germline.
Comment: This sequence change creates a premature translational stop signal (p.Phe71Valfs*5) in the SAR1B gene. It is expected to result in an absent or disrupted protein product. Loss-of-function variants in SAR1B are known to be pathogenic (PMID: 12692552, 17945526). This variant is present in population databases (no rsID available, gnomAD 0.003%). This variant has not been reported in the literature in individuals affected with SAR1B-related conditions. ClinVar contains an entry for this variant (Variation ID: 3608690). For these reasons, this variant has been classified as Pathogenic.

Revvity Omics, Revvity
Classification: Likely pathogenic for Chylomicron retention disease. Last evaluated: 2024-08-21. Review status: criteria provided, single submitter. Criteria: ACMG Guidelines, 2015. Collection method: clinical testing. Allele origin: germline.

Literature cited by the submitters: PubMed 12692552 (cited by Labcorp Genetics (formerly Invitae), Labcorp); PubMed 17945526 (cited by Labcorp Genetics (formerly Invitae), Labcorp).

NM_016103.4(SAR1B):c.209dup (p.Phe71fs)

Gene: SAR1B (secretion associated Ras related GTPase 1B; minus strand). Cytogenetic location: 5q31.1.
Variant type: Duplication.
Coding change: c.209dup on transcript NM_016103.4 (MANE Select); coding-DNA position 209, one base duplicated (C; older notation c.209dupC).
Protein change: p.Phe71fs; shifts the reading frame from phenylalanine 71.
Molecular consequence: frameshift variant.
Genome position (GRCh38, 1-based): chr5:134,612,726, G duplicated on the plus strand (C on the coding strand, the reverse complement: SAR1B is on the minus strand). VCF-style (leftmost placement, unchanged base first): chr5-134612725-C-CG. GRCh37 (hg19) VCF-style: chr5-133948415-C-CG.
Other names: c.209dup, p.Phe71fs (NM_001033503.3); short protein forms F71fs.
Identifiers: ClinVar variation 3608690 (VCV003608690.3).